The following is an entry in ClinVar:

NM_001374736.1(DST):c.12719A>G (p.Tyr4240Cys)

Gene: DST (dystonin; minus strand). Cytogenetic location: 6p12.1.
Variant type: single nucleotide variant.
Coding change: c.12719A>G on transcript NM_001374736.1 (MANE Select); coding-DNA position 12719, A replaced by G.
Protein change: p.Tyr4240Cys; replaces tyrosine 4240 with cysteine.
Molecular consequence: missense variant.
Genome position (GRCh38, 1-based): chr6:56,593,670, T>C on the plus strand (A>G on the coding strand, the complement: DST is on the minus strand). VCF-style: chr6-56593670-T-C. GRCh37 (hg19) VCF-style: chr6-56458468-T-C.
Other names: c.6362A>G, p.Tyr2121Cys (NM_001144769.5); c.5948A>G, p.Tyr1983Cys (NM_001144770.2); c.12719A>G, p.Tyr4240Cys (NM_001374722.1); c.12086A>G, p.Tyr4029Cys (NM_001374729.1); c.5828A>G, p.Tyr1943Cys (NM_001374730.1, NM_001386100.1, NM_183380.4); c.12746A>G, p.Tyr4249Cys (NM_001374734.1); c.4850A>G, p.Tyr1617Cys (NM_015548.5); short protein forms Y1983C, Y4240C, Y1617C, Y1943C, Y2121C, Y4249C, Y4029C.
Identifiers: ClinVar variation 1464156 (VCV001464156.8), dbSNP rs2152688470, ClinGen allele CA364525083.

ClinVar aggregate classification (germline): Uncertain significance (1 of 4 stars; one submission).

Conditions:
Hereditary sensory and autonomic neuropathy type 6. Also called: Neuropathy, hereditary sensory and autonomic, type VI; HSAN VI. Identifiers: Orphanet 314381, MedGen C3539003, MONDO:0013839, OMIM 614653.
Epidermolysis bullosa simplex 3, localized or generalized intermediate, with BP230 deficiency (EBS3). Also called: Epidermolysis bullosa simplex due to BP230 deficiency; Epidermolysis bullosa simplex, autosomal recessive 2. Identifiers: Orphanet 412181, MedGen C3809470, MONDO:0014180, OMIM 615425.

gnomAD v4.1: 1 of 1,563,852 alleles (0.000064%); no homozygotes.

Submission:

Labcorp Genetics (formerly Invitae), Labcorp
Classification: Uncertain significance for Epidermolysis bullosa simplex 3, localized or generalized intermediate, with BP230 deficiency; Hereditary sensory and autonomic neuropathy type 6. Last evaluated: 2022-07-25. Review status: criteria provided, single submitter. Criteria: Invitae Variant Classification Sherloc (09022015). Collection method: clinical testing. Allele origin: germline.
Comment: This sequence change replaces tyrosine, which is neutral and polar, with cysteine, which is neutral and slightly polar, at codon 1617 of the DST protein (p.Tyr1617Cys). In summary, the available evidence is currently insufficient to determine the role of this variant in disease. Therefore, it has been classified as a Variant of Uncertain Significance. Experimental studies and prediction algorithms are not available or were not evaluated, and the functional significance of this variant is currently unknown. This variant has not been reported in the literature in individuals affected with DST-related conditions. This variant is not present in population databases (gnomAD no frequency). The DST gene has multiple clinically relevant transcripts. This variant occurs in alternate transcript NM_015548.4, and corresponds to NM_001723.5:c.*21847A>G in the primary transcript.